The following is an entry in ClinVar:

ClinVar aggregate classification (germline): Uncertain significance (1 of 4 stars; one submission).

Submission:

Labcorp Genetics (formerly Invitae), Labcorp
Classification: Uncertain significance. Last evaluated: 2025-11-27. Review status: criteria provided, single submitter. Criteria: Invitae Variant Classification Sherloc (09022015). Collection method: clinical testing. Allele origin: germline.
Comment: This sequence change replaces arginine, which is basic and polar, with methionine, which is neutral and non-polar, at codon 21 of the POLE protein (p.Arg21Met). This variant also falls at the last nucleotide of exon 1, which is part of the consensus splice site for this exon. This variant is not present in population databases (gnomAD no frequency). This variant has not been reported in the literature in individuals affected with POLE-related conditions. An algorithm developed to predict the effect of missense changes on protein structure and function (PolyPhen-2) suggests that this variant is likely to be tolerated. Variants that disrupt the consensus splice site are a relatively common cause of aberrant splicing (PMID: 17576681, 9536098). Algorithms developed to predict the effect of sequence changes on RNA splicing suggest that this variant may disrupt the consensus splice site. In summary, the available evidence is currently insufficient to determine the role of this variant in disease. Therefore, it has been classified as a Variant of Uncertain Significance.

Literature cited by the submitters: PubMed 17576681; PubMed 9536098.

NM_006231.4(POLE):c.62G>T (p.Arg21Met)

Genes: POLE (DNA polymerase epsilon, catalytic subunit; minus strand), LOC130009266 (ATAC-STARR-seq lymphoblastoid silent region 5123; plus strand). Cytogenetic location: 12q24.33.
Variant type: single nucleotide variant.
Coding change: c.62G>T on transcript NM_006231.4 (MANE Select); coding-DNA position 62, G replaced by T.
Protein change: p.Arg21Met; replaces arginine 21 with methionine.
Molecular consequence: missense variant.
Genome position (GRCh38, 1-based): chr12:132,687,254, C>A on the plus strand (G>T on the coding strand, the complement: POLE is on the minus strand). VCF-style: chr12-132687254-C-A. GRCh37 (hg19) VCF-style: chr12-133263840-C-A.
Other names: short protein forms R21M.
Identifiers: ClinVar variation 4732151 (VCV004732151.1).